The following is an entry in ClinVar:

ClinVar aggregate classification (germline): Conflicting classifications of pathogenicity. Review status: criteria provided, conflicting classifications (1 of 4 stars). 5 submissions from 5 submitters: Uncertain significance (2); Likely benign (3). Last evaluated 2026-02-02.

Conditions:
ADNP-related disorder. Also called: ADNP-related condition.
ADNP-related multiple congenital anomalies - intellectual disability - autism spectrum disorder. Also called: Helsmoortel-Van der Aa Syndrome; ADNP-Related Helsmoortel-Van der Aa Syndrome. Identifiers: Orphanet 404448, MedGen C4014538, MONDO:0014379, OMIM 615873. Disease mechanism: loss of function.

Allele frequency attached by ClinVar (database versions not stated): gnomAD 0.00008 and 0.00009; gnomAD exomes 0.00008; ExAC 0.00010; TOPMed 0.00010; ESP Exome Variant Server 0.00015.
gnomAD v4.1: 188 of 1,614,016 alleles (0.012%); highest among the groups gnomAD compares: Middle Eastern, 0.016%; no homozygotes.

Submissions (5):

PreventionGenetics, part of Exact Sciences
Classification: Likely benign for ADNP-related condition. Last evaluated: 2026-02-02. Review status: criteria provided, single submitter. Criteria: ACMG Guidelines, 2015. Collection method: clinical testing. Allele origin: germline.
Comment: This variant is classified as likely benign based on ACMG/AMP sequence variant interpretation guidelines (Richards et al. 2015 PMID: 25741868, with internal and published modifications).

Labcorp Genetics (formerly Invitae), Labcorp
Classification: Uncertain significance. Last evaluated: 2025-10-06. Review status: criteria provided, single submitter. Criteria: Invitae Variant Classification Sherloc (09022015). Collection method: clinical testing. Allele origin: germline.
Comment: This sequence change replaces aspartic acid, which is acidic and polar, with tyrosine, which is neutral and polar, at codon 873 of the ADNP protein (p.Asp873Tyr). This variant is present in population databases (rs147299402, gnomAD 0.02%). This variant has not been reported in the literature in individuals affected with ADNP-related conditions. ClinVar contains an entry for this variant (Variation ID: 434095). An algorithm developed to predict the effect of missense changes on protein structure and function (PolyPhen-2) suggests that this variant is likely to be tolerated. In summary, the available evidence is currently insufficient to determine the role of this variant in disease. Therefore, it has been classified as a Variant of Uncertain Significance.

GeneDx
Classification: Likely benign. Last evaluated: 2020-04-17. Review status: criteria provided, single submitter. Criteria: GeneDx Variant Classification Process June 2021. Collection method: clinical testing. Allele origin: germline. Affected: yes.

Fulgent Genetics
Classification: Uncertain significance for ADNP-related multiple congenital anomalies - intellectual disability - autism spectrum disorder. Last evaluated: 2018-10-31. Review status: criteria provided, single submitter. Criteria: ACMG Guidelines, 2015. Collection method: clinical testing. Allele origin: unknown.

Genetic Services Laboratory, University of Chicago
Classification: Likely benign. Last evaluated: 2018-03-22. Review status: criteria provided, single submitter. Criteria: ACMG Guidelines, 2015. Collection method: clinical testing. Allele origin: germline. Affected: no.

NM_001282531.3(ADNP):c.2617G>T (p.Asp873Tyr)

Gene: ADNP (activity dependent neuroprotector homeobox; minus strand). Cytogenetic location: 20q13.13.
Variant type: single nucleotide variant.
Coding change: c.2617G>T on transcript NM_001282531.3 (MANE Select); coding-DNA position 2617, G replaced by T.
Protein change: p.Asp873Tyr; replaces aspartic acid 873 with tyrosine.
Molecular consequence: missense variant.
Genome position (GRCh38, 1-based): chr20:50,892,097, C>A on the plus strand (G>T on the coding strand, the complement: ADNP is on the minus strand). VCF-style: chr20-50892097-C-A. GRCh37 (hg19) VCF-style: chr20-49508634-C-A.
Other names: c.2617G>T, p.Asp873Tyr (NM_001282532.2, NM_001347511.2, NM_015339.5 and 1 more transcripts); c.2617G>T (NM_001282531.2); short protein forms D873Y.
Identifiers: ClinVar variation 434095 (VCV000434095.15), dbSNP rs147299402, ClinGen allele CA9908560.